The following is an entry in ClinVar:

ClinVar aggregate classification (germline): Benign/Likely benign. Review status: criteria provided, multiple submitters, no conflicts (2 of 4 stars). 7 submissions from 7 submitters: Benign (1); Likely benign (2). 4 of the submissions do not count toward it. Last evaluated 2024-11-27.

Conditions:
RELN-related disorder. Also called: RELN-related condition.

Submissions (8):

Blueprint Genetics
Classification: Likely benign. Last evaluated: 2024-11-27. Review status: criteria provided, single submitter. Criteria: ACMG Guidelines, 2015. Collection method: clinical testing. Allele origin: germline.

Mayo Clinic Laboratories, Mayo Clinic
Classification: Likely benign. Last evaluated: 2024-11-01. Review status: criteria provided, single submitter. Criteria: ACMG Guidelines, 2015. Collection method: clinical testing. Allele origin: germline. Observed: 95 variant alleles.
Comment: BP4, BP7

Eurofins Ntd Llc (ga)
Classification: Benign. Last evaluated: 2015-10-14. Review status: criteria provided, single submitter. Criteria: EGL Classification Definitions 2015. Collection method: clinical testing. Allele origin: germline. Observed: 3 variant alleles, 1 heterozygote.

PreventionGenetics, part of Exact Sciences
Classification: Benign for RELN-related condition. Last evaluated: 2021-03-09. Review status: no assertion criteria provided. Collection method: clinical testing. Allele origin: germline. Not counted in ClinVar's aggregate classification.
Comment: This variant is classified as benign based on ACMG/AMP sequence variant interpretation guidelines (Richards et al. 2015 PMID: 25741868, with internal and published modifications).

Clinical Genetics DNA and cytogenetics Diagnostics Lab, Erasmus MC, Erasmus Medical Center
Classification: Benign. Review status: no assertion criteria provided. Collection method: clinical testing. Allele origin: germline. Affected: yes. Study: VKGL Data-share Consensus. Not counted in ClinVar's aggregate classification.

Clinical Genetics, Academic Medical Center
Classification: Benign. Review status: no assertion criteria provided. Collection method: clinical testing. Allele origin: germline. Affected: yes. Study: VKGL Data-share Consensus. Not counted in ClinVar's aggregate classification.

Dr. Peter K. Rogan Lab, Western University
No classification provided (evidence only). Condition: Familial cancer of breast. Review status: no classification provided. Collection method: in vitro. Allele origin: not applicable. Functional consequence: retained intron. Not counted in ClinVar's aggregate classification.

Laboratory of Diagnostic Genome Analysis, Leiden University Medical Center (LUMC)
Classification: Likely benign. Review status: no assertion criteria provided. Collection method: clinical testing. Allele origin: germline. Affected: yes. Study: VKGL Data-share Consensus. Not counted in ClinVar's aggregate classification.

NM_005045.4(RELN):c.5211-9_5211-7del

Gene: RELN (reelin; minus strand). Cytogenetic location: 7q22.1.
Variant type: Deletion.
Coding change: c.5211-9_5211-7del on transcript NM_005045.4 (MANE Select); 9 bases into the intron before coding-DNA position 5211 through 7 bases into the intron before coding-DNA position 5211, 3 bases deleted (TTT; older notation c.5211-9_5211-7delTTT).
Molecular consequence: intron variant.
Genome position (GRCh38, 1-based): chr7:103,561,960-103,561,962, AAA deleted on the plus strand (TTT on the coding strand, the reverse complement: RELN is on the minus strand); deleting any 3 consecutive bases within chr7:103,561,960-103,561,978 gives the same sequence; the c. name uses the placement nearest the transcript's 3' end. VCF-style (leftmost placement, unchanged base first): chr7-103561959-CAAA-C. GRCh37 (hg19) VCF-style: chr7-103202406-CAAA-C.
Other names: NC_000007.13:g.103202423_103202425del; p.?; c.5211-25_5211-23del (NM_005045.4); c.5211-9_5211-7del (NM_173054.3).
Identifiers: ClinVar variation 282752 (VCV000282752.14), dbSNP rs34125550, ClinGen allele CA4421275.